The following is an entry in ClinVar:

ClinVar aggregate classification (germline): Uncertain significance (1 of 4 stars; one submission).

Conditions:
Inborn genetic diseases. Identifiers: MedGen C0950123, MeSH D030342.

Allele frequency attached by ClinVar (database versions not stated): gnomAD exomes below 0.00001.
gnomAD v4.1: 1 of 1,613,544 alleles (0.000062%); highest among the groups gnomAD compares: East Asian, 0.0022%; no homozygotes.

Submission:

Ambry Genetics
Classification: Uncertain significance for Inborn genetic diseases. Last evaluated: 2021-08-08. Review status: criteria provided, single submitter. Criteria: Ambry Variant Classification Scheme 2023. Collection method: clinical testing. Allele origin: germline.
Comment: The p.V1155M variant (also known as c.3463G>A), located in coding exon 25 of the LRRK2 gene, results from a G to A substitution at nucleotide position 3463. The valine at codon 1155 is replaced by methionine, an amino acid with highly similar properties. This amino acid position is conserved. In addition, this alteration is predicted to be tolerated by in silico analysis. Since supporting evidence is limited at this time, the clinical significance of this alteration remains unclear.

NM_198578.4(LRRK2):c.3463G>A (p.Val1155Met)

Gene: LRRK2 (leucine rich repeat kinase 2; plus strand). Cytogenetic location: 12q12.
Variant type: single nucleotide variant.
Coding change: c.3463G>A on transcript NM_198578.4 (MANE Select); coding-DNA position 3463, G replaced by A.
Protein change: p.Val1155Met; replaces valine 1155 with methionine.
Molecular consequence: missense variant.
Genome position (GRCh38, 1-based): chr12:40,299,224, G>A. VCF-style: chr12-40299224-G-A. GRCh37 (hg19) VCF-style: chr12-40693026-G-A.
Other names: short protein forms V1155M.
Identifiers: ClinVar variation 1731657 (VCV001731657.2), dbSNP rs1436779603, ClinGen allele CA384415928.